The following is an entry in ClinVar:

ClinVar aggregate classification (germline): Uncertain significance (1 of 4 stars; one submission).

Conditions:
Retinoblastoma (RB1). Also called: RETINOBLASTOMA, SOMATIC. Identifiers: Orphanet 790, MedGen C0035335, MeSH D012175, MONDO:0008380, OMIM 180200, HP:0009919. Disease mechanism: loss of function. Inheritance: Both sporadic and heritable forms are tested..

Submission:

Genetic Diagnostic Laboratory, University of Pennsylvania School of Medicine
Classification: Uncertain significance for Retinoblastoma. Last evaluated: 2024-05-20. Review status: criteria provided, single submitter. Criteria: ACMG Guidelines, 2015. Collection method: clinical testing. Allele origin: germline. Affected: yes. Observed: 1 variant allele.
Comment: Case and Pedigree Information: BILATERAL CASES:0, UNILATERAL CASES:1, TOTAL CASES:1, PEDIGREES:1. ACMG Codes Applied:PM1, PM2

NM_000321.3(RB1):c.1454C>T (p.Ser485Phe)

Gene: RB1 (RB transcriptional corepressor 1; plus strand). Cytogenetic location: 13q14.2.
Variant type: single nucleotide variant.
Coding change: c.1454C>T on transcript NM_000321.3 (MANE Select); coding-DNA position 1454, C replaced by T.
Protein change: p.Ser485Phe; replaces serine 485 with phenylalanine.
Molecular consequence: missense variant.
Genome position (GRCh38, 1-based): chr13:48,380,197, C>T. VCF-style: chr13-48380197-C-T. GRCh37 (hg19) VCF-style: chr13-48954333-C-T.
Other names: c.1454C>T, p.Ser485Phe (NM_001407165.1, NM_001407166.1); short protein forms S485F.
Identifiers: ClinVar variation 3236992 (VCV003236992.1), dbSNP rs1431881254.